The following is an entry in ClinVar:

ClinVar aggregate classification (germline): Uncertain significance (1 of 4 stars; one submission).

Conditions:
Dilated cardiomyopathy 1DD (CMD1DD). Identifiers: Orphanet 154, MedGen C2750995, MONDO:0013168, OMIM 613172.

Submission:

Labcorp Genetics (formerly Invitae), Labcorp
Classification: Uncertain significance for Dilated cardiomyopathy 1DD. Last evaluated: 2025-08-30. Review status: criteria provided, single submitter. Criteria: Invitae Variant Classification Sherloc (09022015). Collection method: clinical testing. Allele origin: germline.
Comment: This sequence change replaces valine, which is neutral and non-polar, with isoleucine, which is neutral and non-polar, at codon 1156 of the RBM20 protein (p.Val1156Ile). This variant is not present in population databases (gnomAD no frequency). This variant has not been reported in the literature in individuals affected with RBM20-related conditions. Invitae Evidence Modeling of protein sequence and biophysical properties (such as structural, functional, and spatial information, amino acid conservation, physicochemical variation, residue mobility, and thermodynamic stability) indicates that this missense variant is not expected to disrupt RBM20 protein function with a negative predictive value of 95%. In summary, the available evidence is currently insufficient to determine the role of this variant in disease. Therefore, it has been classified as a Variant of Uncertain Significance.

NM_001134363.3(RBM20):c.3466G>A (p.Val1156Ile)

Gene: RBM20 (RNA binding motif protein 20; plus strand). Cytogenetic location: 10q25.2.
Variant type: single nucleotide variant.
Coding change: c.3466G>A on transcript NM_001134363.3 (MANE Select); coding-DNA position 3466, G replaced by A.
Protein change: p.Val1156Ile; replaces valine 1156 with isoleucine.
Molecular consequence: missense variant.
Genome position (GRCh38, 1-based): chr10:110,831,075, G>A. VCF-style: chr10-110831075-G-A. GRCh37 (hg19) VCF-style: chr10-112590833-G-A.
Other names: short protein forms V1156I.
Identifiers: ClinVar variation 4802664 (VCV004802664.1).